The following is an entry in ClinVar:

NM_003924.4(PHOX2B):c.647G>T (p.Gly216Val)

Gene: PHOX2B (paired like homeobox 2B; minus strand). Cytogenetic location: 4p13.
Variant type: single nucleotide variant.
Coding change: c.647G>T on transcript NM_003924.4 (MANE Select); coding-DNA position 647, G replaced by T.
Protein change: p.Gly216Val; replaces glycine 216 with valine.
Molecular consequence: missense variant.
Genome position (GRCh38, 1-based): chr4:41,746,105, C>A on the plus strand (G>T on the coding strand, the complement: PHOX2B is on the minus strand). VCF-style: chr4-41746105-C-A. GRCh37 (hg19) VCF-style: chr4-41748122-C-A.
Other names: short protein forms G216V.
Identifiers: ClinVar variation 4861815 (VCV004861815.1).

ClinVar aggregate classification (germline): Uncertain significance (1 of 4 stars; one submission).

Conditions:
Hereditary cancer-predisposing syndrome. Also called: Neoplastic Syndromes, Hereditary; Tumor predisposition; Hereditary Cancer Syndrome; Hereditary neoplastic syndrome. Identifiers: Orphanet 140162, MedGen C0027672, MeSH D009386, MONDO:0015356.

Submission:

Ambry Genetics
Classification: Uncertain significance for Hereditary cancer-predisposing syndrome. Last evaluated: 2026-05-11. Review status: criteria provided, single submitter. Criteria: Ambry Variant Classification Scheme 2023. Collection method: clinical testing. Allele origin: germline.
Comment: The p.G216V variant (also known as c.647G>T), located in coding exon 3 of the PHOX2B gene, results from a G to T substitution at nucleotide position 647. The glycine at codon 216 is replaced by valine, an amino acid with dissimilar properties. This amino acid position is highly conserved in available vertebrate species. In addition, this alteration is predicted to be tolerated by in silico analysis. Based on the available evidence, the clinical significance of this variant remains unclear.